The following is an entry in ClinVar:

NM_024757.5(EHMT1):c.3791G>T (p.Arg1264Leu)

Gene: EHMT1 (euchromatic histone lysine methyltransferase 1; plus strand). Cytogenetic location: 9q34.3.
Variant type: single nucleotide variant.
Coding change: c.3791G>T on transcript NM_024757.5 (MANE Select); coding-DNA position 3791, G replaced by T.
Protein change: p.Arg1264Leu; replaces arginine 1264 with leucine.
Molecular consequence: missense variant.
Genome position (GRCh38, 1-based): chr9:137,834,847, G>T. VCF-style: chr9-137834847-G-T. GRCh37 (hg19) VCF-style: chr9-140729299-G-T.
Other names: c.3770G>T, p.Arg1257Leu (NM_001354263.2); short protein forms R1257L, R1264L.
Identifiers: ClinVar variation 1993763 (VCV001993763.4), dbSNP rs545700329, ClinGen allele CA375783358.

ClinVar aggregate classification (germline): Uncertain significance (1 of 4 stars; one submission).

Conditions:
Kleefstra syndrome 1 (KLEFS1). Identifiers: Orphanet 261494, MedGen C0795833, MONDO:0027407, OMIM 610253.

gnomAD v4.1: 3 of 1,612,308 alleles (0.00019%); highest among the groups gnomAD compares: Non-Finnish European, 0.00025%; no homozygotes.

Submission:

Labcorp Genetics (formerly Invitae), Labcorp
Classification: Uncertain significance for Kleefstra syndrome 1. Last evaluated: 2023-08-10. Review status: criteria provided, single submitter. Criteria: Invitae Variant Classification Sherloc (09022015). Collection method: clinical testing. Allele origin: germline.
Comment: This variant has not been reported in the literature in individuals affected with EHMT1-related conditions. This variant is not present in population databases (gnomAD no frequency). This sequence change replaces arginine, which is basic and polar, with leucine, which is neutral and non-polar, at codon 1264 of the EHMT1 protein (p.Arg1264Leu). ClinVar contains an entry for this variant (Variation ID: 1993763). In summary, the available evidence is currently insufficient to determine the role of this variant in disease. Therefore, it has been classified as a Variant of Uncertain Significance. Advanced modeling of protein sequence and biophysical properties (such as structural, functional, and spatial information, amino acid conservation, physicochemical variation, residue mobility, and thermodynamic stability) performed at Invitae indicates that this missense variant is not expected to disrupt EHMT1 protein function.